The following is an entry in ClinVar:

NM_000238.4(KCNH2):c.196T>G (p.Cys66Gly)

Gene: KCNH2 (potassium voltage-gated channel subfamily H member 2; minus strand). Cytogenetic location: 7q36.1.
Variant type: single nucleotide variant.
Coding change: c.196T>G on transcript NM_000238.4 (MANE Select); coding-DNA position 196, T replaced by G.
Protein change: p.Cys66Gly; replaces cysteine 66 with glycine.
Molecular consequence: missense variant.
Genome position (GRCh38, 1-based): chr7:150,974,822, A>C on the plus strand (T>G on the coding strand, the complement: KCNH2 is on the minus strand). VCF-style: chr7-150974822-A-C. GRCh37 (hg19) VCF-style: chr7-150671910-A-C.
Other names: c.196T>G (LRG_288t1); c.19T>G, p.Cys7Gly (NM_001406755.1); c.196T>G, p.Cys66Gly (NM_172056.3); short protein forms C66G, C7G.
Identifiers: ClinVar variation 67351 (VCV000067351.3), dbSNP rs199473416, ClinGen allele CA006132.

ClinVar aggregate classification (germline): not provided (0 of 4 stars; one submission).

Conditions:
Familial long QT syndrome (RWS). Also called: Congenital long QT syndrome; Romano-Ward syndrome; VENTRICULAR FIBRILLATION WITH PROLONGED QT INTERVAL. Identifiers: Orphanet 768, MedGen C1141890, MONDO:0019171.

Submission:

Cardiovascular Biomedical Research Unit, Royal Brompton & Harefield NHS Foundation Trust
No classification provided. Condition: Familial long QT syndrome. Review status: no classification provided. Collection method: literature only. Allele origin: germline.
Comment: This variant has been reported as associated with Long QT syndrome in the following publications (PMID:10187793;PMID:10973849;PMID:11854117;PMID:21536673;PMID:22396785). This is a literature report, and does not necessarily reflect the clinical interpretation of the Imperial College / Royal Brompton Cardiovascular Genetics laboratory.

Literature cited by the submitters: PubMed 10187793; PubMed 10973849; PubMed 11854117; PubMed 21536673; PubMed 22396785; PubMed 22581653.